The following is an entry in ClinVar:

ClinVar aggregate classification (germline): Uncertain significance. Review status: criteria provided, multiple submitters, no conflicts (2 of 4 stars). 2 submissions from 2 submitters: Uncertain significance (2). Last evaluated 2023-07-06.

Conditions:
Dilated cardiomyopathy 1G (CMD1G). Identifiers: Orphanet 154, MedGen C1858763, MONDO:0011400, OMIM 604145.
Autosomal recessive limb-girdle muscular dystrophy type 2J (LGMDR10). Also called: Limb-girdle muscular dystrophy, type 2J; MUSCULAR DYSTROPHY, LIMB-GIRDLE, AUTOSOMAL RECESSIVE 10. Identifiers: Orphanet 140922, MedGen C1837342, MONDO:0012127, OMIM 608807.

Allele frequency attached by ClinVar (database versions not stated): gnomAD 0.00001; gnomAD exomes 0.00001.
gnomAD v4.1: 3 of 1,603,900 alleles (0.00019%); highest among the groups gnomAD compares: Admixed American, 0.0051%; no homozygotes.

Submissions (2):

Labcorp Genetics (formerly Invitae), Labcorp
Classification: Uncertain significance for Dilated cardiomyopathy 1G; Autosomal recessive limb-girdle muscular dystrophy type 2J. Last evaluated: 2023-07-06. Review status: criteria provided, single submitter. Criteria: Invitae Variant Classification Sherloc (09022015). Collection method: clinical testing. Allele origin: germline.
Comment: ClinVar contains an entry for this variant (Variation ID: 846204). This variant has not been reported in the literature in individuals affected with TTN-related conditions. This variant is present in population databases (no rsID available, gnomAD 0.006%). This sequence change replaces leucine, which is neutral and non-polar, with valine, which is neutral and non-polar, at codon 35740 of the TTN protein (p.Leu35740Val). Experimental studies and prediction algorithms are not available or were not evaluated, and the functional significance of this variant is currently unknown. In summary, the available evidence is currently insufficient to determine the role of this variant in disease. Therefore, it has been classified as a Variant of Uncertain Significance. This variant is located in the M band of TTN (PMID: 25589632). Variants in this region may be relevant for neuromuscular disorders, but have not been definitively shown to cause cardiomyopathy (PMID: 23975875).

Revvity Omics, Revvity
Classification: Uncertain significance. Last evaluated: 2020-06-23. Review status: criteria provided, single submitter. Criteria: ACMG Guidelines, 2015. Collection method: clinical testing. Allele origin: germline.

Literature cited by the submitters: PubMed 25589632 (cited by Labcorp Genetics (formerly Invitae), Labcorp); PubMed 23975875 (cited by Labcorp Genetics (formerly Invitae), Labcorp).

NM_001267550.2(TTN):c.107218C>G (p.Leu35740Val)

Genes: TTN-AS1 (TTN antisense RNA 1; plus strand), TTN (titin; minus strand). Cytogenetic location: 2q31.2.
Variant type: single nucleotide variant.
Coding change: c.107218C>G on transcript NM_001267550.2 (MANE Select); coding-DNA position 107218, C replaced by G.
Protein change: p.Leu35740Val; replaces leucine 35740 with valine.
Molecular consequence: missense variant.
Genome position (GRCh38, 1-based): chr2:178,528,533, G>C on the plus strand (C>G on the coding strand, the complement: TTN is on the minus strand). VCF-style: chr2-178528533-G-C. GRCh37 (hg19) VCF-style: chr2-179393260-G-C.
Other names: c.102295C>G, p.Leu34099Val (NM_001256850.1); c.80023C>G, p.Leu26675Val (NM_003319.4); c.99514C>G, p.Leu33172Val (NM_133378.4); c.80398C>G, p.Leu26800Val (NM_133432.3); c.80599C>G, p.Leu26867Val (NM_133437.4); short protein forms L33172V, L26675V, L34099V, L26800V, L26867V, L35740V.
Identifiers: ClinVar variation 846204 (VCV000846204.8), dbSNP rs1176056991, ClinGen allele CA349401561.